The following is an entry in ClinVar:

ClinVar aggregate classification (germline): Uncertain significance (1 of 4 stars; one submission).

gnomAD v4.1: 1 of 1,608,490 alleles (0.000062%); highest among the groups gnomAD compares: South Asian, 0.0011%; no homozygotes.

Submission:

Labcorp Genetics (formerly Invitae), Labcorp
Classification: Uncertain significance. Last evaluated: 2024-07-14. Review status: criteria provided, single submitter. Criteria: Invitae Variant Classification Sherloc (09022015). Collection method: clinical testing. Allele origin: germline.
Comment: This sequence change replaces arginine, which is basic and polar, with glycine, which is neutral and non-polar, at codon 211 of the PCSK1 protein (p.Arg211Gly). This variant is not present in population databases (gnomAD no frequency). This variant has not been reported in the literature in individuals affected with PCSK1-related conditions. An algorithm developed to predict the effect of missense changes on protein structure and function (PolyPhen-2) suggests that this variant is likely to be disruptive. In summary, the available evidence is currently insufficient to determine the role of this variant in disease. Therefore, it has been classified as a Variant of Uncertain Significance.

NM_000439.5(PCSK1):c.631A>G (p.Arg211Gly)

Genes: CAST (calpastatin; plus strand), PCSK1 (proprotein convertase subtilisin/kexin type 1; minus strand), LOC101929710 (uncharacterized LOC101929710; plus strand). Cytogenetic location: 5q15.
Variant type: single nucleotide variant.
Coding change: c.631A>G on transcript NM_000439.5 (MANE Select); coding-DNA position 631, A replaced by G.
Protein change: p.Arg211Gly; replaces arginine 211 with glycine.
Molecular consequence: missense variant. On other transcripts: intron variant (11).
Genome position (GRCh38, 1-based): chr5:96,416,111, T>C on the plus strand (A>G on the coding strand, the complement: PCSK1 is on the minus strand). VCF-style: chr5-96416111-T-C. GRCh37 (hg19) VCF-style: chr5-95751815-T-C.
Other names: c.490A>G, p.Arg164Gly (NM_001177875.2); c.-175+36459T>C (NM_001423254.1, NM_001423259.1, NM_001423255.1 and 6 more transcripts); c.-103+36459T>C (NM_001423253.1); c.-40+36459T>C (NM_001423258.1); short protein forms R164G, R211G.
Identifiers: ClinVar variation 3696052 (VCV003696052.2).